The following is an entry in ClinVar:

NM_000612.6(IGF2):c.517C>T (p.Pro173Ser)

Genes: IGF2 (insulin like growth factor 2; minus strand), INS-IGF2 (INS-IGF2 readthrough; minus strand). Cytogenetic location: 11p15.5.
Variant type: single nucleotide variant.
Coding change: c.517C>T on transcript NM_000612.6 (MANE Select); coding-DNA position 517, C replaced by T.
Protein change: p.Pro173Ser; replaces proline 173 with serine.
Molecular consequence: missense variant. On other transcripts: non-coding transcript variant (1).
Genome position (GRCh38, 1-based): chr11:2,133,013, G>A on the plus strand (C>T on the coding strand, the complement: IGF2 is on the minus strand). VCF-style: chr11-2133013-G-A. GRCh37 (hg19) VCF-style: chr11-2154243-G-A.
Other names: c.517C>T, p.Pro173Ser (NM_001007139.6, NM_001291861.3, NM_001291862.3); c.685C>T, p.Pro229Ser (NM_001127598.3); short protein forms P173S, P229S.
Identifiers: ClinVar variation 3023243 (VCV003023243.3), dbSNP rs11545014, ClinGen allele CA5817584.
Genomic context (GRCh38, chr11:2,133,013, plus strand): 5'-GTGGCGCCGGGCTGCAGACTTGCGGCAGTTTTGCTCACTTCCGATTGCTGGCCATCTCTG[G>A]GGGGGCGCCCCCGTGGGCGGGGTCTTGGGTGGGTAGAGCAATCAGGGGACGGTGACGTTT-3'
Protein context (NP_000603.1, residues 163-180): TQDPAHGGAP[Pro173Ser]EMASNRK

ClinVar aggregate classification (germline): Uncertain significance (1 of 4 stars; one submission).

gnomAD v4.1: 10 of 1,550,686 alleles (0.00064%); highest among the groups gnomAD compares: Non-Finnish European, 0.00078%; no homozygotes.

Submission:

Labcorp Genetics (formerly Invitae), Labcorp
Classification: Uncertain significance. Last evaluated: 2025-03-03. Review status: criteria provided, single submitter. Criteria: Invitae Variant Classification Sherloc (09022015). Collection method: clinical testing. Allele origin: germline.
Comment: This sequence change replaces proline, which is neutral and non-polar, with serine, which is neutral and polar, at codon 173 of the IGF2 protein (p.Pro173Ser). This variant is present in population databases (rs11545014, gnomAD 0.02%). This variant has not been reported in the literature in individuals affected with IGF2-related conditions. ClinVar contains an entry for this variant (Variation ID: 3023243). An algorithm developed to predict the effect of missense changes on protein structure and function outputs the following: PolyPhen-2: "Benign". The serine amino acid residue is found in multiple mammalian species, which suggests that this missense change does not adversely affect protein function. In summary, the available evidence is currently insufficient to determine the role of this variant in disease. Therefore, it has been classified as a Variant of Uncertain Significance.